The following is an entry in ClinVar:

NM_000059.4(BRCA2):c.8777T>G (p.Leu2926Ter)

Gene: BRCA2 (BRCA2 DNA repair associated; plus strand). Cytogenetic location: 13q13.1.
Variant type: single nucleotide variant.
Coding change: c.8777T>G on transcript NM_000059.4 (MANE Select); coding-DNA position 8777, T replaced by G.
Protein change: p.Leu2926Ter; replaces leucine 2926 with a stop codon.
Molecular consequence: nonsense.
Genome position (GRCh38, 1-based): chr13:32,379,339, T>G. VCF-style: chr13-32379339-T-G. GRCh37 (hg19) VCF-style: chr13-32953476-T-G.
Other names: short protein forms L2926*.
Identifiers: ClinVar variation 941080 (VCV000941080.12), dbSNP rs886040791, ClinGen allele CA387755837.

ClinVar aggregate classification (germline): Pathogenic. Review status: criteria provided, multiple submitters, no conflicts (2 of 4 stars). 2 submissions from 2 submitters: Pathogenic (2). Last evaluated 2022-06-14.

Conditions:
Hereditary breast ovarian cancer syndrome. Also called: Hereditary breast and/or ovarian cancer syndrome; Hereditary breast and ovarian cancer syndrome; Hereditary breast and ovarian cancer; Hereditary breast and ovarian cancer syndrome (HBOC); Breast and ovarian cancer; BRCA1- and BRCA2-Associated Hereditary Breast and Ovarian Cancer. Identifiers: Orphanet 145, MedGen C0677776, MeSH D061325, MONDO:0003582. Disease mechanism: loss of function.
Hereditary cancer-predisposing syndrome. Also called: Hereditary neoplastic syndrome; Neoplastic Syndromes, Hereditary; Tumor predisposition; Hereditary Cancer Syndrome. Identifiers: Orphanet 140162, MedGen C0027672, MeSH D009386, MONDO:0015356.

Submissions (2):

Ambry Genetics
Classification: Pathogenic for Hereditary cancer-predisposing syndrome. Last evaluated: 2022-06-14. Review status: criteria provided, single submitter. Criteria: Ambry Variant Classification Scheme 2023. Collection method: clinical testing. Allele origin: germline.
Comment: The p.L2926* pathogenic mutation (also known as c.8777T>G), located in coding exon 21 of the BRCA2 gene, results from a T to G substitution at nucleotide position 8777. This changes the amino acid from a leucine to a stop codon within coding exon 21. This variant is considered to be rare based on population cohorts in the Genome Aggregation Database (gnomAD). This alteration is expected to result in loss of function by premature protein truncation or nonsense-mediated mRNA decay. As such, this alteration is interpreted as a disease-causing mutation.

Labcorp Genetics (formerly Invitae), Labcorp
Classification: Pathogenic for Hereditary breast ovarian cancer syndrome. Last evaluated: 2019-06-29. Review status: criteria provided, single submitter. Criteria: Invitae Variant Classification Sherloc (09022015). Collection method: clinical testing. Allele origin: germline.
Comment: This sequence change creates a premature translational stop signal (p.Leu2926*) in the BRCA2 gene. It is expected to result in an absent or disrupted protein product. This variant is not present in population databases (ExAC no frequency). This variant has not been reported in the literature in individuals with BRCA2-related conditions. A different variant (c.8777T>A) giving rise to the same protein effect observed here (p.Leu2926*) has been determined to be pathogenic (PMID: 26287763). This suggests that this variant is also likely to be causative of disease. Loss-of-function variants in BRCA2 are known to be pathogenic (PMID: 20104584). For these reasons, this variant has been classified as Pathogenic.

Literature cited by the submitters: PubMed 26287763 (cited by Labcorp Genetics (formerly Invitae), Labcorp); PubMed 20104584 (cited by Labcorp Genetics (formerly Invitae), Labcorp).